The following is an entry in ClinVar:

ClinVar aggregate classification (germline): Likely benign (1 of 4 stars; one submission).

Conditions:
TUBA4A-related disorder. Also called: TUBA4A-related condition.

gnomAD v4.1: 21 of 1,614,200 alleles (0.0013%); highest among the groups gnomAD compares: Non-Finnish European, 0.0015%; no homozygotes.

Submission:

PreventionGenetics, part of Exact Sciences
Classification: Likely benign for TUBA4A-related condition. Last evaluated: 2024-12-01. Review status: criteria provided, single submitter. Criteria: ACMG Guidelines, 2015. Collection method: clinical testing. Allele origin: germline.
Comment: This variant is classified as likely benign based on ACMG/AMP sequence variant interpretation guidelines (Richards et al. 2015 PMID: 25741868, with internal and published modifications).

NM_006000.3(TUBA4A):c.210G>A (p.Leu70=)

Gene: TUBA4A (tubulin alpha 4a; minus strand). Cytogenetic location: 2q35.
Variant type: single nucleotide variant.
Coding change: c.210G>A on transcript NM_006000.3 (MANE Select); coding-DNA position 210, G replaced by A.
Protein change: p.Leu70=; no amino-acid change (leucine 70 retained).
Molecular consequence: synonymous variant.
Genome position (GRCh38, 1-based): chr2:219,252,024, C>T on the plus strand (G>A on the coding strand, the complement: TUBA4A is on the minus strand). VCF-style: chr2-219252024-C-T. GRCh37 (hg19) VCF-style: chr2-220116746-C-T.
Other names: c.165G>A, p.Leu55= (NM_001278552.2).
Identifiers: ClinVar variation 4982792 (VCV004982792.1).
Genomic context (GRCh38, chr2:219,252,024, plus strand): 5'-AGTCATGCTCCACCCCCTTCAATTTTGTCCCCACTTCCTCTCACCAATGACCGTAGGCTC[C>T]AGATCCACAAAAACTGCCCGGGGTACGTGTTTTCCAGCACCAGTTTCACAGAAGAAGGTG-3'
Protein context (NP_005991.1, residues 60-80): KHVPRAVFVD[Leu70=]EPTVIDEIRN